The following is an entry in ClinVar:

ClinVar aggregate classification (germline): Uncertain significance (1 of 4 stars; one submission).

Conditions:
FOXC1-related disorder. Also called: FOXC1-related condition.

Submission:

PreventionGenetics, part of Exact Sciences
Classification: Uncertain significance for FOXC1-related condition. Last evaluated: 2026-09-13. Review status: criteria provided, single submitter. Criteria: ACMG Guidelines, 2015. Collection method: clinical testing. Allele origin: germline.
Comment: The FOXC1 c.616C>G variant is predicted to result in the amino acid substitution p.Pro206Ala. To our knowledge, this variant has not been reported in the literature or in a large population database (gnomAD), indicating this variant is rare. At this time, the clinical significance of this variant is uncertain due to the absence of conclusive functional and genetic evidence.

NM_001453.3(FOXC1):c.616C>G (p.Pro206Ala)

Gene: FOXC1 (forkhead box C1; plus strand). Cytogenetic location: 6p25.3.
Variant type: single nucleotide variant.
Coding change: c.616C>G on transcript NM_001453.3 (MANE Select); coding-DNA position 616, C replaced by G.
Protein change: p.Pro206Ala; replaces proline 206 with alanine.
Molecular consequence: missense variant.
Genome position (GRCh38, 1-based): chr6:1,611,061, C>G. VCF-style: chr6-1611061-C-G. GRCh37 (hg19) VCF-style: chr6-1611296-C-G.
Other names: short protein forms P206A.
Identifiers: ClinVar variation 4988778 (VCV004988778.1).
Genomic context (GRCh38, chr6:1,611,061, plus strand): 5'-AAGGACAGGCTGCACCTCAAGGAGCCGCCCCCGCCCGGCCGCCAGCCCCCGCCCGCGCCG[C>G]CGGAGCAGGCCGACGGCAACGCGCCCGGTCCGCAGCCGCCGCCCGTGCGCATCCAGGACA-3'
Protein context (NP_001444.2, residues 196-216): PPGRQPPPAP[Pro206Ala]EQADGNAPGP